The following is an entry in ClinVar:

ClinVar aggregate classification (germline): Likely benign (1 of 4 stars; one submission).

Conditions:
Atypical hemolytic-uremic syndrome with thrombomodulin anomaly. Also called: HEMOLYTIC UREMIC SYNDROME, ATYPICAL, SUSCEPTIBILITY TO, 6; AHUS, SUSCEPTIBILITY TO, 6. Identifiers: MedGen C2752036, MONDO:0013044, OMIM 612926. Disease mechanism: gain of function.

Allele frequency attached by ClinVar (database versions not stated): 1000 Genomes Project 0.00020; gnomAD exomes 0.00181; 1000 Genomes Project 30x 0.00047; TOPMed 0.00110; gnomAD 0.00117 and 0.00118.

Submission:

Illumina Laboratory Services, Illumina
Classification: Likely benign for Atypical hemolytic-uremic syndrome with thrombomodulin anomaly. Last evaluated: 2017-04-27. Review status: criteria provided, single submitter. Criteria: ICSL Variant Classification Criteria 13 December 2019. Collection method: clinical testing. Allele origin: germline.
Comment: This variant was observed as part of a predisposition screen in an ostensibly healthy population. A literature search was performed for the gene, cDNA change, and amino acid change (where applicable). Publications were found based on this search. The evidence from the literature, in combination with allele frequency data from public databases where available, was sufficient to determine this variant is unlikely to cause disease. Therefore, this variant is classified as likely benign.

Literature cited by the submitters: PubMed 17677000.

NM_000361.3(THBD):c.*158G>A

Gene: THBD (thrombomodulin; minus strand). Cytogenetic location: 20p11.21.
Variant type: single nucleotide variant.
Coding change: c.*158G>A on transcript NM_000361.3 (MANE Select); 158 bases downstream of the stop codon, G replaced by A.
Molecular consequence: 3 prime UTR variant.
Genome position (GRCh38, 1-based): chr20:23,047,619, C>T on the plus strand (G>A on the coding strand, the complement: THBD is on the minus strand). VCF-style: chr20-23047619-C-T. GRCh37 (hg19) VCF-style: chr20-23028256-C-T.
Identifiers: ClinVar variation 337876 (VCV000337876.5), dbSNP rs3176121, ClinGen allele CA10649428.